The following is an entry in ClinVar:

ClinVar aggregate classification (germline): Pathogenic (1 of 4 stars; one submission).

Submission:

Labcorp Genetics (formerly Invitae), Labcorp
Classification: Pathogenic. Last evaluated: 2022-02-17. Review status: criteria provided, single submitter. Criteria: Invitae Variant Classification Sherloc (09022015). Collection method: clinical testing. Allele origin: germline.
Comment: For these reasons, this variant has been classified as Pathogenic. This variant has not been reported in the literature in individuals affected with EYS-related conditions. This variant is a gross deletion of the genomic region encompassing exon(s) 8 of the EYS gene. This deletion is out-of-frame, and is expected to create a premature termination codon and result in an absent or disrupted protein product. Loss-of-function variants in EYS are known to be pathogenic (PMID: 18836446, 20333770).

Literature cited by the submitters: PubMed 18836446; PubMed 20333770.

NC_000006.12:g.(?_65384376)_(65384510_?)del

Gene: EYS (eyes shut homolog; minus strand). Cytogenetic location: 6q12.
Variant type: Deletion.
Identifiers: ClinVar variation 645880 (VCV000645880.6).